The following is an entry in ClinVar:

NM_003791.4(MBTPS1):c.2941G>A (p.Gly981Ser)

Gene: MBTPS1 (membrane bound transcription factor peptidase, site 1; minus strand). Cytogenetic location: 16q23.3.
Variant type: single nucleotide variant.
Coding change: c.2941G>A on transcript NM_003791.4 (MANE Select); coding-DNA position 2941, G replaced by A.
Protein change: p.Gly981Ser; replaces glycine 981 with serine.
Molecular consequence: missense variant.
Genome position (GRCh38, 1-based): chr16:84,056,026, C>T on the plus strand (G>A on the coding strand, the complement: MBTPS1 is on the minus strand). VCF-style: chr16-84056026-C-T. GRCh37 (hg19) VCF-style: chr16-84089631-C-T.
Other names: c.2941G>A (NM_003791.3); short protein forms G981S.
Identifiers: ClinVar variation 1641346 (VCV001641346.34), dbSNP rs139554174, ClinGen allele CA8200682.

ClinVar aggregate classification (germline): Benign/Likely benign. Review status: criteria provided, multiple submitters, no conflicts (2 of 4 stars). 4 submissions from 4 submitters: Benign (2); Likely benign (1). 1 of the submissions does not count toward it. Last evaluated 2026-07-01.

Conditions:
MBTPS1-related disorder. Also called: MBTPS1-related condition.

Allele frequency attached by ClinVar (database versions not stated): 1000 Genomes Project 0.00339; TOPMed 0.00377; 1000 Genomes Project 30x 0.00406; gnomAD 0.00419 and 0.00420; gnomAD exomes 0.00454; ExAC 0.00437; ESP Exome Variant Server 0.00538.
gnomAD v4.1: 10,490 of 1,613,366 alleles (0.65%); highest among the groups gnomAD compares: Non-Finnish European, 0.76%; 53 homozygotes.

Submissions (4):

CeGaT Center for Human Genetics Tuebingen
Classification: Likely benign. Last evaluated: 2026-07-01. Review status: criteria provided, single submitter. Criteria: CeGaT Center For Human Genetics Tuebingen Variant Classification Criteria Version 2. Collection method: clinical testing. Allele origin: germline. Affected: yes. Observed: 4 variant alleles.
Comment: MBTPS1: BS2

Labcorp Genetics (formerly Invitae), Labcorp
Classification: Benign. Last evaluated: 2026-01-22. Review status: criteria provided, single submitter. Criteria: Invitae Variant Classification Sherloc (09022015). Collection method: clinical testing. Allele origin: germline.

Breakthrough Genomics
Classification: Benign. Review status: criteria provided, single submitter. Criteria: ACMG Guidelines, 2015. Collection method: not provided. Allele origin: germline. Inheritance: Autosomal recessive inheritance. Affected: yes.

PreventionGenetics, part of Exact Sciences
Classification: Likely benign for MBTPS1-related condition. Last evaluated: 2019-07-15. Review status: no assertion criteria provided. Collection method: clinical testing. Allele origin: germline. Not counted in ClinVar's aggregate classification.
Comment: This variant is classified as likely benign based on ACMG/AMP sequence variant interpretation guidelines (Richards et al. 2015 PMID: 25741868, with internal and published modifications).